The following is an entry in ClinVar:

NM_144687.4(NLRP12):c.1437G>C (p.Gln479His)

Gene: NLRP12 (NLR family pyrin domain containing 12; minus strand). Cytogenetic location: 19q13.42.
Variant type: single nucleotide variant.
Coding change: c.1437G>C on transcript NM_144687.4 (MANE Select); coding-DNA position 1437, G replaced by C.
Protein change: p.Gln479His; replaces glutamine 479 with histidine.
Molecular consequence: missense variant.
Genome position (GRCh38, 1-based): chr19:53,810,222, C>G on the plus strand (G>C on the coding strand, the complement: NLRP12 is on the minus strand). VCF-style: chr19-53810222-C-G. GRCh37 (hg19) VCF-style: chr19-54313476-C-G.
Other names: c.1437G>C, p.Gln479His (NM_001277126.2, NM_001277129.1); short protein forms Q479H.
Identifiers: ClinVar variation 2148647 (VCV002148647.4), dbSNP rs77667763, ClinGen allele CA407413532.

ClinVar aggregate classification (germline): Uncertain significance (1 of 4 stars; one submission).

Conditions:
Familial cold autoinflammatory syndrome 2 (FCAS2). Identifiers: Orphanet 247868, MedGen C2673198, MONDO:0012724, OMIM 611762.

gnomAD v4.1: 7 of 1,614,164 alleles (0.00043%); highest among the groups gnomAD compares: Non-Finnish European, 0.00059%; no homozygotes.

Submission:

Labcorp Genetics (formerly Invitae), Labcorp
Classification: Uncertain significance for Familial cold autoinflammatory syndrome 2. Last evaluated: 2024-01-18. Review status: criteria provided, single submitter. Criteria: Invitae Variant Classification Sherloc (09022015). Collection method: clinical testing. Allele origin: germline.
Comment: This sequence change replaces glutamine, which is neutral and polar, with histidine, which is basic and polar, at codon 479 of the NLRP12 protein (p.Gln479His). This variant is present in population databases (no rsID available, gnomAD 0.0009%). This variant has not been reported in the literature in individuals affected with NLRP12-related conditions. ClinVar contains an entry for this variant (Variation ID: 2148647). Advanced modeling of protein sequence and biophysical properties (such as structural, functional, and spatial information, amino acid conservation, physicochemical variation, residue mobility, and thermodynamic stability) performed at Invitae indicates that this missense variant is not expected to disrupt NLRP12 protein function with a negative predictive value of 80%. In summary, the available evidence is currently insufficient to determine the role of this variant in disease. Therefore, it has been classified as a Variant of Uncertain Significance.